The following is an entry in ClinVar:

ClinVar aggregate classification (germline): Conflicting classifications of pathogenicity. Review status: criteria provided, conflicting classifications (1 of 4 stars). 2 submissions from 2 submitters: Uncertain significance (1); Likely benign (1). Last evaluated 2025-03-04.

Conditions:
Inborn genetic diseases. Identifiers: MedGen C0950123, MeSH D030342.

Allele frequency attached by ClinVar (database versions not stated): ExAC 0.00024; gnomAD 0.00058; TOPMed 0.00074; 1000 Genomes Project 0.00100; ESP Exome Variant Server 0.00100; 1000 Genomes Project 30x 0.00109.
gnomAD v4.1: 172 of 1,613,794 alleles (0.011%); highest among the groups gnomAD compares: African/African-American, 0.2%; 1 homozygote.

Submissions (2):

Ambry Genetics
Classification: Uncertain significance for Inborn genetic diseases. Last evaluated: 2025-03-04. Review status: criteria provided, single submitter. Criteria: Ambry Variant Classification Scheme 2023. Collection method: clinical testing. Allele origin: germline.

CeGaT Center for Human Genetics Tuebingen
Classification: Likely benign. Last evaluated: 2024-07-01. Review status: criteria provided, single submitter. Criteria: CeGaT Center For Human Genetics Tuebingen Variant Classification Criteria Version 2. Collection method: clinical testing. Allele origin: germline. Affected: yes. Observed: 2 variant alleles.
Comment: FLG: BP4, BS1

NM_002016.2(FLG):c.5497G>A (p.Val1833Ile)

Genes: CCDST (cervical cancer associated DHX9 suppressive transcript; plus strand), FLG (filaggrin; minus strand). Cytogenetic location: 1q21.3.
Variant type: single nucleotide variant.
Coding change: c.5497G>A on transcript NM_002016.2 (MANE Select); coding-DNA position 5497, G replaced by A.
Protein change: p.Val1833Ile; replaces valine 1833 with isoleucine.
Molecular consequence: missense variant.
Genome position (GRCh38, 1-based): chr1:152,309,389, C>T on the plus strand (G>A on the coding strand, the complement: FLG is on the minus strand). VCF-style: chr1-152309389-C-T. GRCh37 (hg19) VCF-style: chr1-152281865-C-T.
Other names: short protein forms V1833I.
Identifiers: ClinVar variation 2462560 (VCV002462560.27), dbSNP rs139153630, ClinGen allele CA1105737.